The following is an entry in ClinVar:

ClinVar aggregate classification (germline): Benign/Likely benign. Review status: criteria provided, multiple submitters, no conflicts (2 of 4 stars). 5 submissions from 5 submitters: Benign (3); Likely benign (2). Last evaluated 2026-03-17.

Conditions:
Episodic ataxia type 2 (EA2). Also called: ACETAZOLAMIDE-RESPONSIVE HEREDITARY PAROXYSMAL CEREBELLAR ATAXIA; ATAXIA, EPISODIC, WITH NYSTAGMUS; ATAXIA, FAMILIAL PAROXYSMAL; CEREBELLAR ATAXIA, PAROXYSMAL, ACETAZOLAMIDE-RESPONSIVE; CEREBELLOPATHY, HEREDITARY PAROXYSMAL; EPISODIC ATAXIA, NYSTAGMUS-ASSOCIATED. Identifiers: Orphanet 97, MedGen C1720416, MONDO:0007163, OMIM 108500.
Developmental and epileptic encephalopathy, 42 (DEE42A). Also called: EPILEPTIC ENCEPHALOPATHY, EARLY INFANTILE, 42A; Epileptic encephalopathy, early infantile, 42; DEVELOPMENTAL AND EPILEPTIC ENCEPHALOPATHY 42A. Identifiers: MedGen C4310716, MONDO:0014917, OMIM 617106.
Inborn genetic diseases. Identifiers: MedGen C0950123, MeSH D030342.

Allele frequency attached by ClinVar (database versions not stated): gnomAD exomes 0.00007 and 0.00024; gnomAD 0.00011 and 0.00014; TOPMed 0.00011; ExAC 0.00024; 1000 Genomes Project 0.00060; 1000 Genomes Project 30x 0.00078.
gnomAD v4.1: 119 of 1,612,776 alleles (0.0074%); highest among the groups gnomAD compares: East Asian, 0.23%; no homozygotes.

Submissions (5):

Women's Health and Genetics/Laboratory Corporation of America, LabCorp
Classification: Likely benign. Last evaluated: 2026-03-17. Review status: criteria provided, single submitter. Criteria: LabCorp Variant Classification Summary - May 2015. Collection method: clinical testing. Allele origin: germline.

Labcorp Genetics (formerly Invitae), Labcorp
Classification: Benign for Developmental and epileptic encephalopathy, 42; Episodic ataxia type 2. Last evaluated: 2025-05-04. Review status: criteria provided, single submitter. Criteria: Invitae Variant Classification Sherloc (09022015). Collection method: clinical testing. Allele origin: germline.

Athena Diagnostics
Classification: Benign. Last evaluated: 2024-07-05. Review status: criteria provided, single submitter. Criteria: Athena Diagnostics Criteria. Collection method: clinical testing. Allele origin: unknown.

CeGaT Center for Human Genetics Tuebingen
Classification: Benign. Last evaluated: 2022-08-01. Review status: criteria provided, single submitter. Criteria: CeGaT Center For Human Genetics Tuebingen Variant Classification Criteria Version 2. Collection method: clinical testing. Allele origin: germline. Affected: yes. Observed: 1 variant allele.
Comment: CACNA1A: BS1, BS2

Ambry Genetics
Classification: Likely benign for Inborn genetic diseases. Last evaluated: 2018-03-13. Review status: criteria provided, single submitter. Criteria: Ambry Variant Classification Scheme 2023. Collection method: clinical testing. Allele origin: germline.

NM_001127222.2(CACNA1A):c.5859G>A (p.Gly1953=)

Gene: CACNA1A (calcium voltage-gated channel subunit alpha1 A; minus strand). Cytogenetic location: 19p13.13.
Variant type: single nucleotide variant.
Coding change: c.5859G>A on transcript NM_001127222.2 (MANE Select); coding-DNA position 5859, G replaced by A.
Protein change: p.Gly1953=; no amino-acid change (glycine 1953 retained).
Molecular consequence: synonymous variant.
Genome position (GRCh38, 1-based): chr19:13,214,314, C>T on the plus strand (G>A on the coding strand, the complement: CACNA1A is on the minus strand). VCF-style: chr19-13214314-C-T. GRCh37 (hg19) VCF-style: chr19-13325128-C-T.
Other names: c.5877G>A, p.Gly1959= (NM_000068.4, NM_023035.3); c.5862G>A, p.Gly1954= (NM_001127221.2); c.5868G>A, p.Gly1956= (NM_001174080.2).
Identifiers: ClinVar variation 786831 (VCV000786831.38), dbSNP rs200625174, ClinGen allele CA9239555.